The following is an entry in ClinVar:

NM_001303.4(COX10):c.793T>C (p.Phe265Leu)

Genes: COX10 (cytochrome c oxidase assembly factor heme A:farnesyltransferase COX10; plus strand), LOC105943586 (distal CMT1A-REP; plus strand). Cytogenetic location: 17p12.
Variant type: single nucleotide variant.
Coding change: c.793T>C on transcript NM_001303.4 (MANE Select); coding-DNA position 793, T replaced by C.
Protein change: p.Phe265Leu; replaces phenylalanine 265 with leucine.
Molecular consequence: missense variant.
Genome position (GRCh38, 1-based): chr17:14,192,086, T>C. VCF-style: chr17-14192086-T-C. GRCh37 (hg19) VCF-style: chr17-14095403-T-C.
Other names: short protein forms F265L.
Identifiers: ClinVar variation 4535798 (VCV004535798.1).

ClinVar aggregate classification (germline): Uncertain significance (1 of 4 stars; one submission).

Submission:

Women's Health and Genetics/Laboratory Corporation of America, LabCorp
Classification: Uncertain significance. Last evaluated: 2025-09-04. Review status: criteria provided, single submitter. Criteria: LabCorp Variant Classification Summary - May 2015. Collection method: clinical testing. Allele origin: germline.
Comment: Variant summary: COX10 c.793T>C (p.Phe265Leu) results in a non-conservative amino acid change located in the Protoheme IX farnesyltransferase domain (IPR006369) of the encoded protein sequence. Algorithms developed to predict the effect of missense changes on protein structure and function are either unavailable or do not agree on the potential impact of this missense change. The variant was absent in 251374 control chromosomes. The available data on variant occurrences in the general population are insufficient to allow any conclusion about variant significance. To our knowledge, no occurrence of c.793T>C in individuals affected with COX10-related conditions and no experimental evidence demonstrating its impact on protein function have been reported. No submitters have cited clinical-significance assessments for this variant to ClinVar. Based on the evidence outlined above, the variant was classified as uncertain significance.